The following is an entry in ClinVar:

ClinVar aggregate classification (germline): Uncertain significance (1 of 4 stars; one submission).

Conditions:
Charcot-Marie-Tooth disease type 2. Also called: Charcot-Marie-Tooth type 2. Identifiers: Orphanet 64746, MedGen C0270914, MONDO:0018993.

gnomAD v4.1: 1 of 1,614,182 alleles (0.000062%); highest among the groups gnomAD compares: South Asian, 0.0011%; no homozygotes.

Submission:

Labcorp Genetics (formerly Invitae), Labcorp
Classification: Uncertain significance for Charcot-Marie-Tooth disease type 2. Last evaluated: 2021-08-18. Review status: criteria provided, single submitter. Criteria: Invitae Variant Classification Sherloc (09022015). Collection method: clinical testing. Allele origin: germline.
Comment: This sequence change replaces valine with leucine at codon 304 of the MFN2 protein (p.Val304Leu). The valine residue is highly conserved and there is a small physicochemical difference between valine and leucine. This variant is not present in population databases (ExAC no frequency). This variant has not been reported in the literature in individuals affected with MFN2-related conditions. Advanced modeling of protein sequence and biophysical properties (such as structural, functional, and spatial information, amino acid conservation, physicochemical variation, residue mobility, and thermodynamic stability) performed at Invitae indicates that this missense variant is expected to disrupt MFN2 protein function. In summary, the available evidence is currently insufficient to determine the role of this variant in disease. Therefore, it has been classified as a Variant of Uncertain Significance.

NM_014874.4(MFN2):c.910G>C (p.Val304Leu)

Gene: MFN2 (mitofusin 2; plus strand). Cytogenetic location: 1p36.22.
Variant type: single nucleotide variant.
Coding change: c.910G>C on transcript NM_014874.4 (MANE Select); coding-DNA position 910, G replaced by C.
Protein change: p.Val304Leu; replaces valine 304 with leucine.
Molecular consequence: missense variant.
Genome position (GRCh38, 1-based): chr1:12,001,494, G>C. VCF-style: chr1-12001494-G-C. GRCh37 (hg19) VCF-style: chr1-12061551-G-C.
Other names: c.910G>C, p.Val304Leu (NM_001127660.2); short protein forms V304L.
Identifiers: ClinVar variation 1479295 (VCV001479295.6), dbSNP rs2100839352, ClinGen allele CA338441834.